The following is an entry in ClinVar:

NM_024652.6(LRRK1):c.125C>T (p.Ser42Phe)

Gene: LRRK1 (leucine rich repeat kinase 1; plus strand). Cytogenetic location: 15q26.3.
Variant type: single nucleotide variant.
Coding change: c.125C>T on transcript NM_024652.6 (MANE Select); coding-DNA position 125, C replaced by T.
Protein change: p.Ser42Phe; replaces serine 42 with phenylalanine.
Molecular consequence: missense variant.
Genome position (GRCh38, 1-based): chr15:100,973,831, C>T. VCF-style: chr15-100973831-C-T. GRCh37 (hg19) VCF-style: chr15-101514036-C-T.
Other names: short protein forms S42F.
Identifiers: ClinVar variation 1952813 (VCV001952813.5), dbSNP rs1346090652, ClinGen allele CA393949932.

ClinVar aggregate classification (germline): Uncertain significance (1 of 4 stars; one submission).

Allele frequency attached by ClinVar (database versions not stated): TOPMed 0.00001.

Submission:

Labcorp Genetics (formerly Invitae), Labcorp
Classification: Uncertain significance. Last evaluated: 2022-05-27. Review status: criteria provided, single submitter. Criteria: Invitae Variant Classification Sherloc (09022015). Collection method: clinical testing. Allele origin: germline.
Comment: In summary, the available evidence is currently insufficient to determine the role of this variant in disease. Therefore, it has been classified as a Variant of Uncertain Significance. Algorithms developed to predict the effect of missense changes on protein structure and function are either unavailable or do not agree on the potential impact of this missense change (SIFT: "Tolerated"; PolyPhen-2: "Possibly Damaging"; Align-GVGD: "Class C0"). This variant has not been reported in the literature in individuals affected with LRRK1-related conditions. This variant is not present in population databases (gnomAD no frequency). This sequence change replaces serine, which is neutral and polar, with phenylalanine, which is neutral and non-polar, at codon 42 of the LRRK1 protein (p.Ser42Phe).